The following is an entry in ClinVar:

ClinVar aggregate classification (germline): Uncertain significance. Review status: criteria provided, multiple submitters, no conflicts (2 of 4 stars). 2 submissions from 2 submitters: Uncertain significance (2). Last evaluated 2025-10-02.

Conditions:
Cardiovascular phenotype. Identifiers: MedGen CN230736.
Myofibrillar myopathy 5. Also called: FILAMINOPATHY, AUTOSOMAL DOMINANT; Filaminopathy (type). Identifiers: Orphanet 171445, MedGen C1836050, MONDO:0012289, OMIM 609524.
Distal myopathy with posterior leg and anterior hand involvement. Also called: WILLIAMS DISTAL MYOPATHY. Identifiers: Orphanet 63273, MedGen C3279722, MONDO:0013550, OMIM 614065.
Hypertrophic cardiomyopathy 26. Also called: Cardiomyopathy, familial hypertrophic, 26. Identifiers: Orphanet 75249, MedGen C4310749, MONDO:0014883, OMIM 617047.

Submissions (2):

Labcorp Genetics (formerly Invitae), Labcorp
Classification: Uncertain significance for Distal myopathy with posterior leg and anterior hand involvement; Myofibrillar myopathy 5; Hypertrophic cardiomyopathy 26. Last evaluated: 2025-10-02. Review status: criteria provided, single submitter. Criteria: Invitae Variant Classification Sherloc (09022015). Collection method: clinical testing. Allele origin: germline.
Comment: This sequence change replaces proline, which is neutral and non-polar, with glutamine, which is neutral and polar, at codon 1535 of the FLNC protein (p.Pro1535Gln). This variant is not present in population databases (gnomAD no frequency). This variant has not been reported in the literature in individuals affected with FLNC-related conditions. ClinVar contains an entry for this variant (Variation ID: 1914485). Invitae Evidence Modeling of protein sequence and biophysical properties (such as structural, functional, and spatial information, amino acid conservation, physicochemical variation, residue mobility, and thermodynamic stability) has been performed for this missense variant. However, the output from this modeling did not meet the statistical confidence thresholds required to predict the impact of this variant on FLNC protein function. In summary, the available evidence is currently insufficient to determine the role of this variant in disease. Therefore, it has been classified as a Variant of Uncertain Significance.

Ambry Genetics
Classification: Uncertain significance for Cardiovascular phenotype. Last evaluated: 2025-08-12. Review status: criteria provided, single submitter. Criteria: Ambry Variant Classification Scheme 2023. Collection method: clinical testing. Allele origin: germline.
Comment: The p.P1535Q variant (also known as c.4604C>A), located in coding exon 27 of the FLNC gene, results from a C to A substitution at nucleotide position 4604. The proline at codon 1535 is replaced by glutamine, an amino acid with similar properties. This amino acid position is conserved. In addition, the in silico prediction for this alteration is inconclusive. Based on the available evidence, the clinical significance of this variant remains unclear.

NM_001458.5(FLNC):c.4604C>A (p.Pro1535Gln)

Gene: FLNC (filamin C; plus strand). Cytogenetic location: 7q32.1.
Variant type: single nucleotide variant.
Coding change: c.4604C>A on transcript NM_001458.5 (MANE Select); coding-DNA position 4604, C replaced by A.
Protein change: p.Pro1535Gln; replaces proline 1535 with glutamine.
Molecular consequence: missense variant.
Genome position (GRCh38, 1-based): chr7:128,848,584, C>A. VCF-style: chr7-128848584-C-A. GRCh37 (hg19) VCF-style: chr7-128488638-C-A.
Other names: c.4604C>A, p.Pro1535Gln (NM_001127487.2); short protein forms P1535Q.
Identifiers: ClinVar variation 1914485 (VCV001914485.4), dbSNP rs2536647895, ClinGen allele CA369202120.